The following is an entry in ClinVar:

NM_005989.4(AKR1D1):c.855+13_855+14insGGCCGGGCGCGGTGGCTCACGCCTGTAATCCCAGCACTTTGGGANGCCGAGGCGGGCGGATCACGAGGTCANNNNNNNNNNAAAAAAAAAAAAAAAAAAAAAAGAGAATTGC

Gene: AKR1D1 (aldo-keto reductase family 1 member D1; plus strand). Cytogenetic location: 7q33.
Variant type: Insertion.
Coding change: c.855+13_855+14insGGCCGGGCGCGGTGGCTCACGCCTGTAATCCCAGCACTTTGGGANGCCGAGGCGGGCGGATCACGAGGTCANNNNNNNNNNAAAAAAAAAAAAAAAAAAAAAAGAGAATTGC on transcript NM_005989.4 (MANE Select); bases 13 to 14 of the intron after coding-DNA position 855, GGCCGGGCGCGGTGGCTCACGCCTGTAATCCCAGCACTTTGGGANGCCGAGGCGGGCGGATCACGAGGTCANNNNNNNNNNAAAAAAAAAAAAAAAAAAAAAAGAGAATTGC inserted.
Molecular consequence: intron variant.
Genome position: GRCh38: chr7:138,107,593-138,107,594. GRCh37 (hg19): chr7:137,792,339-137,792,340.
Other names: c.855+13_855+14insGGCCGGGCGCGGTGGCTCACGCCTGTAATCCCAGCACTTTGGGANGCCGAGGCGGGCGGATCACGAGGTCANNNNNNNNNNAAAAAAAAAAAAAAAAAAAAAAGAGAATTGC (NM_001190907.2); c.732+13_732+14insGGCCGGGCGCGGTGGCTCACGCCTGTAATCCCAGCACTTTGGGANGCCGAGGCGGGCGGATCACGAGGTCANNNNNNNNNNAAAAAAAAAAAAAAAAAAAAAAGAGAATTGC (NM_001190906.2).
Identifiers: ClinVar variation 4803403 (VCV004803403.1).

ClinVar aggregate classification (germline): Uncertain significance (1 of 4 stars; one submission).

Submission:

Labcorp Genetics (formerly Invitae), Labcorp
Classification: Uncertain significance. Last evaluated: 2025-12-11. Review status: criteria provided, single submitter. Criteria: Invitae Variant Classification Sherloc (09022015). Collection method: clinical testing. Allele origin: germline.
Comment: This sequence change falls in intron 7 of the AKR1D1 gene. It does not directly change the encoded amino acid sequence of the AKR1D1 protein. This variant is not present in population databases (gnomAD no frequency). This variant has not been reported in the literature in individuals affected with AKR1D1-related conditions. Experimental studies and prediction algorithms are not available or were not evaluated, and the effect of this variant on mRNA splicing is currently unknown. In summary, the available evidence is currently insufficient to determine the role of this variant in disease. Therefore, it has been classified as a Variant of Uncertain Significance.